The following is an entry in ClinVar:

NM_000051.4(ATM):c.9080G>C (p.Ser3027Thr)

Genes: ATM (ATM serine/threonine kinase; plus strand), C11orf65 (chromosome 11 open reading frame 65; minus strand). Cytogenetic location: 11q22.3.
Variant type: single nucleotide variant.
Coding change: c.9080G>C on transcript NM_000051.4 (MANE Select); coding-DNA position 9080, G replaced by C.
Protein change: p.Ser3027Thr; replaces serine 3027 with threonine.
Molecular consequence: missense variant. On other transcripts: intron variant (2).
Genome position (GRCh38, 1-based): chr11:108,365,417, G>C. VCF-style: chr11-108365417-G-C. GRCh37 (hg19) VCF-style: chr11-108236144-G-C.
Other names: c.640+20503C>G (NM_001330368.2); c.694+20503C>G (NM_001351110.2); c.9080G>C, p.Ser3027Thr (NM_001351834.2); short protein forms S3027T.
Identifiers: ClinVar variation 631196 (VCV000631196.13), dbSNP rs1565609342, ClinGen allele CA382531770.
Genomic context (GRCh38, chr11:108,365,417, plus strand): 5'-AACGTGTCTTAATGAGACTACAAGAGAAACTGAAAGGAGTGGAAGAAGGCACTGTGCTCA[G>C]TGTTGGTGGACAAGTGAATTTGCTCATACAGCAGGCCATAGACCCCAAAAATCTCAGCCG-3'
Protein context (NP_000042.3, residues 3017-3037): LKGVEEGTVL[Ser3027Thr]VGGQVNLLIQ

ClinVar aggregate classification (germline): Uncertain significance. Review status: criteria provided, multiple submitters, no conflicts (2 of 4 stars). 3 submissions from 3 submitters: Uncertain significance (3). Last evaluated 2025-04-11.

Conditions:
Ataxia-telangiectasia syndrome (AT). Also called: Ataxia-telangiectasia, complementation group D; AT, COMPLEMENTATION GROUP C; ATAXIA-TELANGIECTASIA, COMPLEMENTATION GROUP A; ATAXIA-TELANGIECTASIA, FRESNO VARIANT; Ataxia-telangiectasia; LOUIS-BAR SYNDROME. Identifiers: Orphanet 100, MedGen C0004135, MONDO:0008840, OMIM 208900.
Hereditary cancer-predisposing syndrome. Also called: Tumor predisposition; Hereditary neoplastic syndrome; Neoplastic Syndromes, Hereditary; Hereditary Cancer Syndrome. Identifiers: Orphanet 140162, MedGen C0027672, MeSH D009386, MONDO:0015356.

Submissions (3):

Ambry Genetics
Classification: Uncertain significance for Hereditary cancer-predisposing syndrome. Last evaluated: 2025-04-11. Review status: criteria provided, single submitter. Criteria: Ambry Variant Classification Scheme 2023. Collection method: clinical testing. Allele origin: germline.
Comment: The p.S3027T variant (also known as c.9080G>C), located in coding exon 62 of the ATM gene, results from a G to C substitution at nucleotide position 9080. The serine at codon 3027 is replaced by threonine, an amino acid with similar properties. This amino acid position is conserved. In addition, the in silico prediction for this alteration is inconclusive. Based on the available evidence, the clinical significance of this variant remains unclear.

Color Diagnostics, LLC DBA Color Health
Classification: Uncertain significance for Hereditary cancer-predisposing syndrome. Last evaluated: 2023-12-05. Review status: criteria provided, single submitter. Criteria: ACMG Guidelines, 2015. Collection method: clinical testing. Allele origin: germline.
Comment: This missense variant replaces serine with threonine at codon 3027 of the ATM protein. Computational prediction is inconclusive regarding the impact of this variant on protein structure and function (internally defined REVEL score threshold 0.5 < inconclusive < 0.7, PMID: 27666373). To our knowledge, functional studies have not been reported for this variant. This variant has not been reported in individuals affected with ATM-related disorders in the literature. This variant has not been identified in the general population by the Genome Aggregation Database (gnomAD). The available evidence is insufficient to determine the role of this variant in disease conclusively. Therefore, this variant is classified as a Variant of Uncertain Significance.

Labcorp Genetics (formerly Invitae), Labcorp
Classification: Uncertain significance for Ataxia-telangiectasia syndrome. Last evaluated: 2018-07-24. Review status: criteria provided, single submitter. Criteria: Invitae Variant Classification Sherloc (09022015). Collection method: clinical testing. Allele origin: germline.
Comment: Algorithms developed to predict the effect of missense changes on protein structure and function (SIFT, PolyPhen-2, Align-GVGD) all suggest that this variant is likely to be disruptive, but these predictions have not been confirmed by published functional studies and their clinical significance is uncertain. In summary, the available evidence is currently insufficient to determine the role of this variant in disease. Therefore, it has been classified as a Variant of Uncertain Significance. This variant has not been reported in the literature in individuals with ATM-related disease. This sequence change replaces serine with threonine at codon 3027 of the ATM protein (p.Ser3027Thr). The serine residue is highly conserved and there is a small physicochemical difference between serine and threonine. This variant is not present in population databases (ExAC no frequency).